The following is an entry in ClinVar:

ClinVar aggregate classification (germline): Uncertain significance (1 of 4 stars; one submission).

Conditions:
Inborn genetic diseases. Identifiers: MedGen C0950123, MeSH D030342.

Submission:

Ambry Genetics
Classification: Uncertain significance for Hereditary disease. Last evaluated: 2018-01-04. Review status: criteria provided, single submitter. Criteria: ambry_reporting_categories_2017. Collection method: clinical testing. Allele origin: germline. Affected: yes. Observed: 1 heterozygote. Segregation with disease observed.
Comment: Lines of evidence used in support of classification: POSITIVE: Relevant Alteration(s) Detected

NM_001378964.1(CDON):c.1956A>C (p.Glu652Asp)

Gene: CDON (cell adhesion associated, oncogene regulated; minus strand). Cytogenetic location: 11q24.2.
Variant type: single nucleotide variant.
Coding change: c.1956A>C on transcript NM_001378964.1 (MANE Select); coding-DNA position 1956, A replaced by C.
Protein change: p.Glu652Asp; replaces glutamic acid 652 with aspartic acid.
Molecular consequence: missense variant.
Genome position (GRCh38, 1-based): chr11:126,003,972, T>G on the plus strand (A>C on the coding strand, the complement: CDON is on the minus strand). VCF-style: chr11-126003972-T-G. GRCh37 (hg19) VCF-style: chr11-125873867-T-G.
Other names: c.1956A>C, p.Glu652Asp (NM_001243597.3, NM_016952.6); short protein forms E652D.
Identifiers: ClinVar variation 520567 (VCV000520567.3), dbSNP rs1555123650, ClinGen allele CA383207998.
Genomic context (GRCh38, chr11:126,003,972, plus strand): 5'-TCGGAAGGTAAGCATGGCAGGTTGGCCTTCACCTGCTGCGCTTCTTGCTACCATCAAGAC[T>G]TCATAAAGACTAGATGGCTCCAGCTCAGCTAAATGGAGCTCATTTTCACTTCCTGGGACT-3'
Protein context (NP_001365893.1, residues 642-662): LAELEPSSLY[Glu652Asp]VLMVARSAAG